The following is an entry in ClinVar:

ClinVar aggregate classification (germline): Likely pathogenic (1 of 4 stars; one submission).

Conditions:
Hypertrophic cardiomyopathy 1 (CMH1). Also called: Familial hypertrophic cardiomyopathy 1; MYH7-Related Familial Hypertrophic Cardiomyopathy. Identifiers: MedGen C3495498, MONDO:0008647, OMIM 192600.

Submission:

3billion
Classification: Likely pathogenic for Hypertrophic cardiomyopathy 1. Last evaluated: 2025-02-14. Review status: criteria provided, single submitter. Criteria: ACMG Guidelines, 2015. Collection method: clinical testing. Allele origin: germline. Affected: yes.
Comment: The variant is not observed in the gnomAD v4.1.0 dataset. Predicted Consequence/Location: The variant is located in a mutational hot spot and/or well-established functional domain in which established pathogenic variants have been reported (PMID: 29300372). In silico tool predictions suggest damaging effect of the variant on gene or gene product [REVEL: 0.65 (>=0.6, sensitivity 0.68 and specificity 0.92)]. The same nucleotide change resulting in the same amino acid change has been previously reported to be associated with MYH7-related disorder (PMID: 31638223). Therefore, this variant is classified as Likely pathogenic according to the recommendation of ACMG/AMP guideline.

Literature cited by the submitters: PubMed 31638223.

NM_000257.4(MYH7):c.2801C>T (p.Ala934Val)

Gene: MYH7 (myosin heavy chain 7; minus strand). Cytogenetic location: 14q11.2.
Variant type: single nucleotide variant.
Coding change: c.2801C>T on transcript NM_000257.4 (MANE Select); coding-DNA position 2801, C replaced by T.
Protein change: p.Ala934Val; replaces alanine 934 with valine.
Molecular consequence: missense variant.
Genome position (GRCh38, 1-based): chr14:23,424,028, G>A on the plus strand (C>T on the coding strand, the complement: MYH7 is on the minus strand). VCF-style: chr14-23424028-G-A. GRCh37 (hg19) VCF-style: chr14-23893237-G-A.
Other names: c.2801C>T, p.Ala934Val (NM_001407004.1); short protein forms A934V.
Identifiers: ClinVar variation 4292021 (VCV004292021.1).
Genomic context (GRCh38, chr14:23,424,028, plus strand): 5'-ATGTCCCTTTTGAGCTCTGAGCACTCATCTTCCAGCTTGCGCTTCTTGGCAGTGAGCTCA[G>A]CATTCATCTCCTCCTCATCCTCCAGCCTCTCGTTCATCTCCTTCACCTTGGCCTCCAGCT-3'
Protein context (NP_000248.2, residues 924-944): ERLEDEEEMN[Ala934Val]ELTAKKRKLE